The following is an entry in ClinVar:

NM_002361.4(MAG):c.971-5C>T

Gene: MAG (myelin associated glycoprotein; plus strand). Cytogenetic location: 19q13.12.
Variant type: single nucleotide variant.
Coding change: c.971-5C>T on transcript NM_002361.4 (MANE Select); 5 bases into the intron before coding-DNA position 971, C replaced by T.
Molecular consequence: intron variant.
Genome position (GRCh38, 1-based): chr19:35,302,443, C>T. VCF-style: chr19-35302443-C-T. GRCh37 (hg19) VCF-style: chr19-35793346-C-T.
Other names: c.971-5C>T (NM_080600.3); c.896-5C>T (NM_001199216.2).
Identifiers: ClinVar variation 708514 (VCV000708514.9), dbSNP rs200576970, ClinGen allele CA9376151.

ClinVar aggregate classification (germline): Conflicting classifications of pathogenicity. Review status: criteria provided, conflicting classifications (1 of 4 stars). 2 submissions from 2 submitters: Uncertain significance (1); Likely benign (1). Last evaluated 2024-10-27.

Conditions:
Inborn genetic diseases. Identifiers: MedGen C0950123, MeSH D030342.
Hereditary spastic paraplegia 75. Also called: Spastic paraplegia 75, autosomal recessive. Identifiers: Orphanet 459056, MedGen C4225250, MONDO:0014729, OMIM 616680.

Allele frequency attached by ClinVar (database versions not stated): ExAC 0.00008; ESP Exome Variant Server 0.00015; gnomAD 0.00015 and 0.00016; gnomAD exomes 0.00003 and 0.00006; 1000 Genomes Project 30x 0.00016; 1000 Genomes Project 0.00020; TOPMed 0.00022.

Submissions (2):

Labcorp Genetics (formerly Invitae), Labcorp
Classification: Likely benign for Hereditary spastic paraplegia 75. Last evaluated: 2024-10-27. Review status: criteria provided, single submitter. Criteria: Invitae Variant Classification Sherloc (09022015). Collection method: clinical testing. Allele origin: germline.

Ambry Genetics
Classification: Uncertain significance for Inborn genetic diseases. Last evaluated: 2022-01-05. Review status: criteria provided, single submitter. Criteria: Ambry Variant Classification Scheme 2023. Collection method: clinical testing. Allele origin: germline.
Comment: The c.971-5C>T intronic alteration consists of a C to T substitution 5 nucleotides before exon 7 (coding exon 5) of the MAG gene. Based on insufficient or conflicting evidence, the clinical significance of this alteration remains unclear.